The following is an entry in ClinVar:

ClinVar aggregate classification (germline): Uncertain significance. Review status: criteria provided, multiple submitters, no conflicts (2 of 4 stars). 2 submissions from 2 submitters: Uncertain significance (2). Last evaluated 2025-11-13.

Conditions:
Inborn genetic diseases. Identifiers: MedGen C0950123, MeSH D030342.

gnomAD v4.1: 48 of 1,608,998 alleles (0.003%); highest among the groups gnomAD compares: Non-Finnish European, 0.004%; no homozygotes.

Submissions (2):

Ambry Genetics
Classification: Uncertain significance for Inborn genetic diseases. Last evaluated: 2025-11-13. Review status: criteria provided, single submitter. Criteria: Ambry Variant Classification Scheme 2023. Collection method: clinical testing. Allele origin: germline.

Labcorp Genetics (formerly Invitae), Labcorp
Classification: Uncertain significance. Last evaluated: 2024-03-16. Review status: criteria provided, single submitter. Criteria: Invitae Variant Classification Sherloc (09022015). Collection method: clinical testing. Allele origin: germline.
Comment: This sequence change replaces alanine, which is neutral and non-polar, with serine, which is neutral and polar, at codon 758 of the POLR1A protein (p.Ala758Ser). The frequency data for this variant in the population databases is considered unreliable, as metrics indicate poor data quality at this position in the gnomAD database. This variant has not been reported in the literature in individuals affected with POLR1A-related conditions. ClinVar contains an entry for this variant (Variation ID: 2083532). Advanced modeling of protein sequence and biophysical properties (such as structural, functional, and spatial information, amino acid conservation, physicochemical variation, residue mobility, and thermodynamic stability) performed at Invitae indicates that this missense variant is not expected to disrupt POLR1A protein function with a negative predictive value of 80%. In summary, the available evidence is currently insufficient to determine the role of this variant in disease. Therefore, it has been classified as a Variant of Uncertain Significance.

NM_015425.6(POLR1A):c.2272G>T (p.Ala758Ser)

Gene: POLR1A (RNA polymerase I subunit A; minus strand). Cytogenetic location: 2p11.2.
Variant type: single nucleotide variant.
Coding change: c.2272G>T on transcript NM_015425.6 (MANE Select); coding-DNA position 2272, G replaced by T.
Protein change: p.Ala758Ser; replaces alanine 758 with serine.
Molecular consequence: missense variant.
Genome position (GRCh38, 1-based): chr2:86,052,937, C>A on the plus strand (G>T on the coding strand, the complement: POLR1A is on the minus strand). VCF-style: chr2-86052937-C-A. GRCh37 (hg19) VCF-style: chr2-86280060-C-A.
Other names: c.2272G>T (NM_015425.3); short protein forms A758S.
Identifiers: ClinVar variation 2083532 (VCV002083532.5), dbSNP rs757186802, ClinGen allele CA347542624.